The following is an entry in ClinVar:

NM_001851.6(COL9A1):c.1030-166del

Gene: COL9A1 (collagen type IX alpha 1 chain; minus strand). Cytogenetic location: 6q13.
Variant type: Deletion.
Coding change: c.1030-166del on transcript NM_001851.6 (MANE Select); 166 bases into the intron before coding-DNA position 1030, one base deleted (C; older notation c.1030-166delC).
Molecular consequence: intron variant.
Genome position (GRCh38, 1-based): chr6:70,274,248, G deleted on the plus strand (C on the coding strand, the reverse complement: COL9A1 is on the minus strand); the first of 2 consecutive G bases (chr6:70,274,248-70,274,249); deleting either gives the same sequence. VCF-style (leftmost placement, unchanged base first): chr6-70274247-AG-A. GRCh37 (hg19) VCF-style: chr6-70983950-AG-A.
Other names: c.301-166del (NM_001377290.1, NM_078485.4, NM_001377289.1).
Identifiers: ClinVar variation 678009 (VCV000678009.1), dbSNP rs35211615, ClinGen allele CA140818092.

ClinVar aggregate classification (germline): Benign (1 of 4 stars; one submission).

Submission:

GeneDx
Classification: Benign. Last evaluated: 2018-06-16. Review status: criteria provided, single submitter. Criteria: GeneDx Variant Classification (06012015). Collection method: clinical testing. Allele origin: germline. Affected: yes.
Comment: This variant is considered likely benign or benign based on one or more of the following criteria: it is a conservative change, it occurs at a poorly conserved position in the protein, it is predicted to be benign by multiple in silico algorithms, and/or has population frequency not consistent with disease.